The following is an entry in ClinVar:

ClinVar aggregate classification (germline): Uncertain significance. Review status: criteria provided, multiple submitters, no conflicts (2 of 4 stars). 2 submissions from 2 submitters: Uncertain significance (2). Last evaluated 2025-05-22.

Allele frequency attached by ClinVar (database versions not stated): gnomAD exomes 0.00002; gnomAD 0.00001; ExAC 0.00002.
gnomAD v4.1: 28 of 1,613,896 alleles (0.0017%); highest among the groups gnomAD compares: Middle Eastern, 0.066%; no homozygotes.

Submissions (2):

Revvity Omics, Revvity
Classification: Uncertain significance. Last evaluated: 2025-05-22. Review status: criteria provided, single submitter. Criteria: ACMG Guidelines, 2015. Collection method: clinical testing. Allele origin: germline.

Athena Diagnostics
Classification: Uncertain significance. Last evaluated: 2023-09-01. Review status: criteria provided, single submitter. Criteria: Athena Diagnostics Criteria. Collection method: clinical testing. Allele origin: unknown.
Comment: Available data are insufficient to determine the clinical significance of the variant at this time. The frequency of this variant in the general population is uninformative in assessment of its pathogenicity. Computational tools disagree on the variant's effect on normal protein function.

NM_182961.4(SYNE1):c.10936G>A (p.Glu3646Lys)

Gene: SYNE1 (spectrin repeat containing nuclear envelope protein 1; minus strand). Cytogenetic location: 6q25.2.
Variant type: single nucleotide variant.
Coding change: c.10936G>A on transcript NM_182961.4 (MANE Select); coding-DNA position 10936, G replaced by A.
Protein change: p.Glu3646Lys; replaces glutamic acid 3646 with lysine.
Molecular consequence: missense variant.
Genome position (GRCh38, 1-based): chr6:152,353,735, C>T on the plus strand (G>A on the coding strand, the complement: SYNE1 is on the minus strand). VCF-style: chr6-152353735-C-T. GRCh37 (hg19) VCF-style: chr6-152674870-C-T.
Other names: c.10891G>A, p.Glu3631Lys (NM_033071.5); short protein forms E3631K, E3646K.
Identifiers: ClinVar variation 2684026 (VCV002684026.2), dbSNP rs773858272, ClinGen allele CA4056831.